The following is an entry in ClinVar:

ClinVar aggregate classification (germline): Benign. Review status: criteria provided, multiple submitters, no conflicts (2 of 4 stars). 2 submissions from 2 submitters: Benign (2). Last evaluated 2018-01-12.

Conditions:
Hereditary pheochromocytoma and paraganglioma. Also called: Hereditary Paraganglioma-Pheochromocytoma Syndromes; Hereditary paragangliomas and pheochromocytomas; Hereditary pheochromocytoma-paraganglioma. Identifiers: Orphanet 29072, MedGen C4274332, MONDO:0017366.

Allele frequency attached by ClinVar (database versions not stated): TOPMed 0.11676; 1000 Genomes Project 0.17013; 1000 Genomes Project 30x 0.17083.

Submissions (2):

Illumina Laboratory Services, Illumina
Classification: Benign for Hereditary Paraganglioma-Pheochromocytoma Syndromes. Last evaluated: 2018-01-12. Review status: criteria provided, single submitter. Criteria: ICSL Variant Classification Criteria 13 December 2019. Collection method: clinical testing. Allele origin: germline.
Comment: This variant was observed in the ICSL laboratory as part of a predisposition screen in an ostensibly healthy population. It had not been previously curated by ICSL or reported in the Human Gene Mutation Database (HGMD: prior to June 1st, 2018), and was therefore a candidate for classification through an automated scoring system. Utilizing variant allele frequency, disease prevalence and penetrance estimates, and inheritance mode, an automated score was calculated to assess if this variant is too frequent to cause the disease. Based on the score and internal cut-off values, a variant classified as benign is not then subjected to further curation. The score for this variant resulted in a classification of benign for this disease.

Breakthrough Genomics
Classification: Benign. Review status: criteria provided, single submitter. Criteria: ACMG Guidelines, 2015. Collection method: not provided. Allele origin: germline. Inheritance: Autosomal dominant inheritance. Affected: yes.

NM_003001.5(SDHC):c.*385G>A

Gene: SDHC (succinate dehydrogenase complex subunit C; plus strand). Cytogenetic location: 1q23.3.
Variant type: single nucleotide variant.
Coding change: c.*385G>A on transcript NM_003001.5 (MANE Select); 385 bases downstream of the stop codon, G replaced by A.
Molecular consequence: 3 prime UTR variant.
Genome position (GRCh38, 1-based): chr1:161,362,818, G>A. VCF-style: chr1-161362818-G-A. GRCh37 (hg19) VCF-style: chr1-161332608-G-A.
Other names: c.*278G>A (NM_001035511.3, NM_001278172.3, NM_001407121.1); c.*385G>A (NM_001035512.3, NM_001035513.3, NM_001407115.1 and 5 more transcripts).
Identifiers: ClinVar variation 293325 (VCV000293325.7), dbSNP rs8266, ClinGen allele CA10608183.